The following is an entry in ClinVar:

ClinVar aggregate classification (germline): Uncertain significance (1 of 4 stars; one submission).

Allele frequency attached by ClinVar (database versions not stated): gnomAD exomes 0.00001 and below 0.00001; ExAC 0.00001.
gnomAD v4.1: 3 of 1,614,114 alleles (0.00019%); highest among the groups gnomAD compares: Non-Finnish European, 0.00025%; no homozygotes.

Submission:

Labcorp Genetics (formerly Invitae), Labcorp
Classification: Uncertain significance. Last evaluated: 2017-12-23. Review status: criteria provided, single submitter. Criteria: Invitae Variant Classification Sherloc (09022015). Collection method: clinical testing. Allele origin: germline.
Comment: In summary, the available evidence is currently insufficient to determine the role of this variant in disease. Therefore, it has been classified as a Variant of Uncertain Significance. Algorithms developed to predict the effect of missense changes on protein structure and function (SIFT, PolyPhen-2, Align-GVGD) all suggest that this variant is likely to be disruptive, but these predictions have not been confirmed by published functional studies and their clinical significance is uncertain. This variant has not been reported in the literature in individuals with SMARCB1-related disease. This variant is present in population databases (rs763202805, ExAC 0.001%). This sequence change replaces glutamine with leucine at codon 244 of the SMARCB1 protein (p.Gln244Leu). The glutamine residue is highly conserved and there is a moderate physicochemical difference between glutamine and leucine.

NM_003073.5(SMARCB1):c.731A>T (p.Gln244Leu)

Gene: SMARCB1 (SWI/SNF related BAF chromatin remodeling complex subunit B1; plus strand). Cytogenetic location: 22q11.23.
Variant type: single nucleotide variant.
Coding change: c.731A>T on transcript NM_003073.5 (MANE Select); coding-DNA position 731, A replaced by T.
Protein change: p.Gln244Leu; replaces glutamine 244 with leucine.
Molecular consequence: missense variant.
Genome position (GRCh38, 1-based): chr22:23,816,872, A>T. VCF-style: chr22-23816872-A-T. GRCh37 (hg19) VCF-style: chr22-24159059-A-T.
Other names: c.731A>T (LRG_520t1); c.704A>T, p.Gln235Leu (NM_001007468.3); c.758A>T, p.Gln253Leu (NM_001317946.2); c.785A>T, p.Gln262Leu (NM_001362877.2); short protein forms Q244L, Q253L, Q262L, Q235L.
Identifiers: ClinVar variation 532972 (VCV000532972.8), dbSNP rs763202805, ClinGen allele CA10146037.